The following is an entry in ClinVar:

NM_139057.4(ADAMTS17):c.3121C>T (p.Arg1041Cys)

Gene: ADAMTS17 (ADAM metallopeptidase with thrombospondin type 1 motif 17; minus strand). Cytogenetic location: 15q26.3.
Variant type: single nucleotide variant.
Coding change: c.3121C>T on transcript NM_139057.4 (MANE Select); coding-DNA position 3121, C replaced by T.
Protein change: p.Arg1041Cys; replaces arginine 1041 with cysteine.
Molecular consequence: missense variant.
Genome position (GRCh38, 1-based): chr15:99,976,051, G>A on the plus strand (C>T on the coding strand, the complement: ADAMTS17 is on the minus strand). VCF-style: chr15-99976051-G-A. GRCh37 (hg19) VCF-style: chr15-100516256-G-A.
Other names: short protein forms R1041C.
Identifiers: ClinVar variation 887695 (VCV000887695.8), dbSNP rs149434438, ClinGen allele CA7757485.

ClinVar aggregate classification (germline): Uncertain significance. Review status: criteria provided, multiple submitters, no conflicts (2 of 4 stars). 3 submissions from 3 submitters: Uncertain significance (3). Last evaluated 2026-01-08.

Conditions:
Inborn genetic diseases. Identifiers: MedGen C0950123, MeSH D030342.
Weill-Marchesani 4 syndrome, recessive. Also called: Weill-Marchesani syndrome 4. Identifiers: Orphanet 363992, MedGen C2750787, MONDO:0013176, OMIM 613195.

Allele frequency attached by ClinVar (database versions not stated): TOPMed 0.00017; ESP Exome Variant Server 0.00024.
gnomAD v4.1: 81 of 1,550,130 alleles (0.0052%); highest among the groups gnomAD compares: African/African-American, 0.027%; no homozygotes.

Submissions (3):

Labcorp Genetics (formerly Invitae), Labcorp
Classification: Uncertain significance. Last evaluated: 2026-01-08. Review status: criteria provided, single submitter. Criteria: Invitae Variant Classification Sherloc (09022015). Collection method: clinical testing. Allele origin: germline.
Comment: This sequence change replaces arginine, which is basic and polar, with cysteine, which is neutral and slightly polar, at codon 1041 of the ADAMTS17 protein (p.Arg1041Cys). This variant is present in population databases (rs149434438, gnomAD 0.04%). This variant has not been reported in the literature in individuals affected with ADAMTS17-related conditions. ClinVar contains an entry for this variant (Variation ID: 887695). An algorithm developed to predict the effect of missense changes on protein structure and function (PolyPhen-2) suggests that this variant is likely to be disruptive. In summary, the available evidence is currently insufficient to determine the role of this variant in disease. Therefore, it has been classified as a Variant of Uncertain Significance.

Ambry Genetics
Classification: Uncertain significance for Inborn genetic diseases. Last evaluated: 2024-12-22. Review status: criteria provided, single submitter. Criteria: Ambry Variant Classification Scheme 2023. Collection method: clinical testing. Allele origin: germline.

Illumina Laboratory Services, Illumina
Classification: Uncertain significance for Weill-Marchesani 4 syndrome, recessive. Last evaluated: 2018-01-13. Review status: criteria provided, single submitter. Criteria: ICSL Variant Classification Criteria 13 December 2019. Collection method: clinical testing. Allele origin: germline.